The following is an entry in ClinVar:

ClinVar aggregate classification (germline): Uncertain significance. Review status: criteria provided, multiple submitters, no conflicts (2 of 4 stars). 2 submissions from 2 submitters: Uncertain significance (2). Last evaluated 2024-10-23.

Conditions:
Bethlem myopathy 1A. Also called: MYOPATHY, BENIGN CONGENITAL, WITH CONTRACTURES; Bethlem Muscular Dystrophy; Bethlem myopathy 1. Identifiers: Orphanet 610, MedGen CN029274, MONDO:0024530, OMIM 158810.
COL6A2-related disorder.

Submissions (2):

PreventionGenetics, part of Exact Sciences
Classification: Uncertain significance for COL6A2-related condition. Last evaluated: 2024-10-23. Review status: criteria provided, single submitter. Criteria: ACMG Guidelines, 2015. Collection method: clinical testing. Allele origin: germline.
Comment: The COL6A2 c.610A>G variant is predicted to result in the amino acid substitution p.Ile204Val. To our knowledge, this variant has not been reported in the literature or in a large population database (gnomAD), indicating this variant is rare. At this time, the clinical significance of this variant is uncertain due to the absence of conclusive functional and genetic evidence.

Labcorp Genetics (formerly Invitae), Labcorp
Classification: Uncertain significance for Bethlem myopathy 1A. Last evaluated: 2024-09-11. Review status: criteria provided, single submitter. Criteria: Invitae Variant Classification Sherloc (09022015). Collection method: clinical testing. Allele origin: germline.
Comment: This sequence change replaces isoleucine, which is neutral and non-polar, with valine, which is neutral and non-polar, at codon 204 of the COL6A2 protein (p.Ile204Val). This variant is not present in population databases (gnomAD no frequency). This variant has not been reported in the literature in individuals affected with COL6A2-related conditions. ClinVar contains an entry for this variant (Variation ID: 1922487). Invitae Evidence Modeling of protein sequence and biophysical properties (such as structural, functional, and spatial information, amino acid conservation, physicochemical variation, residue mobility, and thermodynamic stability) indicates that this missense variant is not expected to disrupt COL6A2 protein function with a negative predictive value of 80%. In summary, the available evidence is currently insufficient to determine the role of this variant in disease. Therefore, it has been classified as a Variant of Uncertain Significance.

NM_001849.4(COL6A2):c.610A>G (p.Ile204Val)

Gene: COL6A2 (collagen type VI alpha 2 chain; plus strand). Cytogenetic location: 21q22.3.
Variant type: single nucleotide variant.
Coding change: c.610A>G on transcript NM_001849.4 (MANE Select); coding-DNA position 610, A replaced by G.
Protein change: p.Ile204Val; replaces isoleucine 204 with valine.
Molecular consequence: missense variant.
Genome position (GRCh38, 1-based): chr21:46,112,473, A>G. VCF-style: chr21-46112473-A-G. GRCh37 (hg19) VCF-style: chr21-47532387-A-G.
Other names: c.610A>G, p.Ile204Val (NM_058174.3, NM_058175.3); short protein forms I204V.
Identifiers: ClinVar variation 1922487 (VCV001922487.6), dbSNP rs2516990342, ClinGen allele CA410522085.